The following is an entry in ClinVar:

NM_005419.4(STAT2):c.590A>C (p.Lys197Thr)

Gene: STAT2 (signal transducer and activator of transcription 2; minus strand). Cytogenetic location: 12q13.3.
Variant type: single nucleotide variant.
Coding change: c.590A>C on transcript NM_005419.4 (MANE Select); coding-DNA position 590, A replaced by C.
Protein change: p.Lys197Thr; replaces lysine 197 with threonine.
Molecular consequence: missense variant.
Genome position (GRCh38, 1-based): chr12:56,354,821, T>G on the plus strand (A>C on the coding strand, the complement: STAT2 is on the minus strand). VCF-style: chr12-56354821-T-G. GRCh37 (hg19) VCF-style: chr12-56748605-T-G.
Other names: c.590A>C, p.Lys197Thr (NM_001385114.1, NM_001385111.1, NM_001385113.1); c.578A>C, p.Lys193Thr (NM_001385115.1, NM_198332.2, NM_001385110.1); short protein forms K193T, K197T.
Identifiers: ClinVar variation 2784552 (VCV002784552.3), dbSNP rs762129965, ClinGen allele CA6630820.

ClinVar aggregate classification (germline): Uncertain significance (1 of 4 stars; one submission).

Conditions:
Primary immunodeficiency with post-measles-mumps-rubella vaccine viral infection. Also called: Immunodeficiency 44. Identifiers: Orphanet 431166, MedGen C4225260, MONDO:0014715, OMIM 616636.

Allele frequency attached by ClinVar (database versions not stated): TOPMed below 0.00001; gnomAD exomes 0.00001; ExAC 0.00002.
gnomAD v4.1: 11 of 1,614,156 alleles (0.00068%); highest among the groups gnomAD compares: Non-Finnish European, 0.00093%; no homozygotes.

Submission:

Labcorp Genetics (formerly Invitae), Labcorp
Classification: Uncertain significance for Primary immunodeficiency with post-measles-mumps-rubella vaccine viral infection. Last evaluated: 2023-12-11. Review status: criteria provided, single submitter. Criteria: Invitae Variant Classification Sherloc (09022015). Collection method: clinical testing. Allele origin: germline.
Comment: This sequence change replaces lysine, which is basic and polar, with threonine, which is neutral and polar, at codon 197 of the STAT2 protein (p.Lys197Thr). This variant is present in population databases (rs762129965, gnomAD 0.003%). This variant has not been reported in the literature in individuals affected with STAT2-related conditions. Advanced modeling of protein sequence and biophysical properties (such as structural, functional, and spatial information, amino acid conservation, physicochemical variation, residue mobility, and thermodynamic stability) performed at Invitae indicates that this missense variant is not expected to disrupt STAT2 protein function with a negative predictive value of 80%. In summary, the available evidence is currently insufficient to determine the role of this variant in disease. Therefore, it has been classified as a Variant of Uncertain Significance.